The following is an entry in ClinVar:

ClinVar aggregate classification (germline): Likely benign. Review status: criteria provided, multiple submitters, no conflicts (2 of 4 stars). 2 submissions from 2 submitters: Likely benign (2). Last evaluated 2018-06-19.

Allele frequency attached by ClinVar (database versions not stated): gnomAD exomes 0.00069 and 0.00203; ExAC 0.00239; gnomAD 0.00744 and 0.00790; TOPMed 0.00831; 1000 Genomes Project 0.00859; 1000 Genomes Project 30x 0.00921; ESP Exome Variant Server 0.00992.
gnomAD v4.1: 2,119 of 1,524,550 alleles (0.14%); highest among the groups gnomAD compares: African/African-American, 2.6%; 25 homozygotes.

Submissions (2):

GeneDx
Classification: Likely benign. Last evaluated: 2018-06-19. Review status: criteria provided, single submitter. Criteria: GeneDx Variant Classification (06012015). Collection method: clinical testing. Allele origin: germline. Affected: yes.
Comment: This variant is considered likely benign or benign based on one or more of the following criteria: it is a conservative change, it occurs at a poorly conserved position in the protein, it is predicted to be benign by multiple in silico algorithms, and/or has population frequency not consistent with disease.

Breakthrough Genomics
Classification: Likely benign. Review status: criteria provided, single submitter. Criteria: ACMG Guidelines, 2015. Collection method: not provided. Allele origin: germline. Inheritance: Autosomal recessive inheritance. Affected: yes.

NM_001098.3(ACO2):c.1371-47G>T

Gene: ACO2 (aconitase 2; plus strand). Cytogenetic location: 22q13.2.
Variant type: single nucleotide variant.
Coding change: c.1371-47G>T on transcript NM_001098.3 (MANE Select); 47 bases into the intron before coding-DNA position 1371, G replaced by T.
Molecular consequence: intron variant.
Genome position (GRCh38, 1-based): chr22:41,523,783, G>T. VCF-style: chr22-41523783-G-T. GRCh37 (hg19) VCF-style: chr22-41919787-G-T.
Identifiers: ClinVar variation 673700 (VCV000673700.2), dbSNP rs116521260, ClinGen allele CA10257632.
Genomic context (GRCh38, chr22:41,523,783, plus strand): 5'-GTAGGAGCTAGGCTGGGCTGCGCCACAGGAACCCAGCTTATCTGTCCTCGGGACAGGCCA[G>T]GTGACAAGGCCAGATATCCCTAACCCTGATCCCTCTGACCTGGCAGGAAGGACATCAAGA-3'